The following is an entry in ClinVar:

ClinVar aggregate classification (germline): Uncertain significance. Review status: criteria provided, multiple submitters, no conflicts (2 of 4 stars). 2 submissions from 2 submitters: Uncertain significance (2). Last evaluated 2026-06-29.

Conditions:
PLXNA3-related disorder. Also called: PLXNA3-related condition.

Allele frequency attached by ClinVar (database versions not stated): gnomAD exomes 0.00001; gnomAD 0.00006; TOPMed 0.00006; ESP Exome Variant Server 0.00019.
gnomAD v4.1: 17 of 1,207,875 alleles (0.0014%); highest among the groups gnomAD compares: African/African-American, 0.017%; no homozygotes.

Submissions (2):

PreventionGenetics, part of Exact Sciences
Classification: Uncertain significance for PLXNA3-related condition. Last evaluated: 2026-06-29. Review status: criteria provided, single submitter. Criteria: ACMG Guidelines, 2015. Collection method: clinical testing. Allele origin: germline.
Comment: The PLXNA3 c.2654C>T variant is predicted to result in the amino acid substitution p.Pro885Leu. To our knowledge, this variant has not been reported in the literature. This variant is reported in 0.016% of alleles in individuals of African descent in gnomAD. At this time, the clinical significance of this variant is uncertain due to the absence of conclusive functional and genetic evidence.

Ambry Genetics
Classification: Uncertain significance. Last evaluated: 2024-09-04. Review status: criteria provided, single submitter. Criteria: Ambry Variant Classification Scheme 2023. Collection method: clinical testing. Allele origin: germline.

NM_017514.5(PLXNA3):c.2654C>T (p.Pro885Leu)

Gene: PLXNA3 (plexin A3; plus strand). Cytogenetic location: Xq28.
Variant type: single nucleotide variant.
Coding change: c.2654C>T on transcript NM_017514.5 (MANE Select); coding-DNA position 2654, C replaced by T.
Protein change: p.Pro885Leu; replaces proline 885 with leucine.
Molecular consequence: missense variant.
Genome position (GRCh38, 1-based): chrX:154,466,056, C>T. VCF-style: chrX-154466056-C-T. GRCh37 (hg19) VCF-style: chrX-153694399-C-T.
Other names: short protein forms P885L.
Identifiers: ClinVar variation 2405631 (VCV002405631.6), dbSNP rs374885337, ClinGen allele CA337318324.
Genomic context (GRCh38, chrX:154,466,056, plus strand): 5'-TGGGCCTCTTGTCCCGAGAGGTGGGCCTGCGGGTGGCTGGCGTGCGTTGCAACTCCATTC[C>T]GGCCGAGTACATCAGTGCTGAGAGGTGAGTGCGGCTCTGTGGGTGCCCGGGCCGTATGTG-3'
Protein context (NP_059984.3, residues 875-895): RVAGVRCNSI[Pro885Leu]AEYISAERIV